The following is an entry in ClinVar:

NM_001211.6(BUB1B):c.951G>T (p.Arg317Ser)

Gene: BUB1B (BUB1 mitotic checkpoint serine/threonine kinase B; plus strand). Cytogenetic location: 15q15.1.
Variant type: single nucleotide variant.
Coding change: c.951G>T on transcript NM_001211.6 (MANE Select); coding-DNA position 951, G replaced by T.
Protein change: p.Arg317Ser; replaces arginine 317 with serine.
Molecular consequence: missense variant.
Genome position (GRCh38, 1-based): chr15:40,185,364, G>T. VCF-style: chr15-40185364-G-T. GRCh37 (hg19) VCF-style: chr15-40477565-G-T.
Other names: short protein forms R317S.
Identifiers: ClinVar variation 3262208 (VCV003262208.1).

ClinVar aggregate classification (germline): Uncertain significance (1 of 4 stars; one submission).

Conditions:
Inborn genetic diseases. Identifiers: MedGen C0950123, MeSH D030342.

Submission:

Ambry Genetics
Classification: Uncertain significance for Inborn genetic diseases. Last evaluated: 2024-04-06. Review status: criteria provided, single submitter. Criteria: Ambry Variant Classification Scheme 2023. Collection method: clinical testing. Allele origin: germline.
Comment: The p.R317S variant (also known as c.951G>T), located in coding exon 7 of the BUB1B gene, results from a G to T substitution at nucleotide position 951. The arginine at codon 317 is replaced by serine, an amino acid with dissimilar properties. This amino acid position is conserved. In addition, this alteration is predicted to be tolerated by in silico analysis. Based on the available evidence, the clinical significance of this variant remains unclear.